The following is an entry in ClinVar:

NM_003055.3(SLC18A3):c.323G>C (p.Gly108Ala)

Genes: CHAT (choline O-acetyltransferase; plus strand), SLC18A3 (solute carrier family 18 member A3; plus strand). Cytogenetic location: 10q11.23.
Variant type: single nucleotide variant.
Coding change: c.323G>C on transcript NM_003055.3 (MANE Select); coding-DNA position 323, G replaced by C.
Protein change: p.Gly108Ala; replaces glycine 108 with alanine.
Molecular consequence: missense variant. On other transcripts: intron variant (1).
Genome position (GRCh38, 1-based): chr10:49,611,063, G>C. VCF-style: chr10-49611063-G-C. GRCh37 (hg19) VCF-style: chr10-50819109-G-C.
Other names: c.-69+1864G>C (NM_020984.4); short protein forms G108A.
Identifiers: ClinVar variation 1391574 (VCV001391574.8), dbSNP rs1351649261, ClinGen allele CA376718205.
Genomic context (GRCh38, chr10:49,611,063, plus strand): 5'-CCAATGCCAGCGCCTACACGGCCAACACCTCGGCGTCCCCGACAGCTGCGTGGCCAGCGG[G>C]CTCAGCCCTTCGGCCCCGCTACCCTACGGAGAGCGAAGACGTGAAGATCGGGGTGCTGTT-3'
Protein context (NP_003046.2, residues 98-118): SASPTAAWPA[Gly108Ala]SALRPRYPTE

ClinVar aggregate classification (germline): Uncertain significance (1 of 4 stars; one submission).

Allele frequency attached by ClinVar (database versions not stated): gnomAD 0.00009 and 0.00007; gnomAD exomes 0.00001 and 0.00002; TOPMed 0.00007.
gnomAD v4.1: 18 of 1,613,908 alleles (0.0011%); highest among the groups gnomAD compares: Admixed American, 0.027%; no homozygotes.

Submission:

Labcorp Genetics (formerly Invitae), Labcorp
Classification: Uncertain significance. Last evaluated: 2021-08-03. Review status: criteria provided, single submitter. Criteria: Invitae Variant Classification Sherloc (09022015). Collection method: clinical testing. Allele origin: germline.
Comment: In summary, the available evidence is currently insufficient to determine the role of this variant in disease. Therefore, it has been classified as a Variant of Uncertain Significance. Algorithms developed to predict the effect of missense changes on protein structure and function (SIFT, PolyPhen-2, Align-GVGD) all suggest that this variant is likely to be tolerated. This variant has not been reported in the literature in individuals affected with SLC18A3-related conditions. This variant is not present in population databases (ExAC no frequency). This sequence change replaces glycine with alanine at codon 108 of the SLC18A3 protein (p.Gly108Ala). The glycine residue is weakly conserved and there is a small physicochemical difference between glycine and alanine.